The following is an entry in ClinVar:

ClinVar aggregate classification (germline): Uncertain significance. Review status: criteria provided, multiple submitters, no conflicts (2 of 4 stars). 3 submissions from 3 submitters: Uncertain significance (3). Last evaluated 2025-09-11.

Conditions:
Inborn genetic diseases. Identifiers: MedGen C0950123, MeSH D030342.
Lethal multiple pterygium syndrome (LMPS). Identifiers: Orphanet 33108, MedGen C1854678, MONDO:0009668, OMIM 253290.

Allele frequency attached by ClinVar (database versions not stated): gnomAD exomes below 0.00001.
gnomAD v4.1: 3 of 1,614,208 alleles (0.00019%); highest among the groups gnomAD compares: Non-Finnish European, 0.00025%; no homozygotes.

Submissions (3):

Ambry Genetics
Classification: Uncertain significance for Inborn genetic diseases. Last evaluated: 2025-09-11. Review status: criteria provided, single submitter. Criteria: Ambry Variant Classification Scheme 2023. Collection method: clinical testing. Allele origin: germline.

Labcorp Genetics (formerly Invitae), Labcorp
Classification: Uncertain significance for Lethal multiple pterygium syndrome. Last evaluated: 2023-08-24. Review status: criteria provided, single submitter. Criteria: Invitae Variant Classification Sherloc (09022015). Collection method: clinical testing. Allele origin: germline.
Comment: This sequence change replaces lysine, which is basic and polar, with glutamic acid, which is acidic and polar, at codon 104 of the CHRNA1 protein (p.Lys104Glu). This variant is not present in population databases (gnomAD no frequency). This variant has not been reported in the literature in individuals affected with CHRNA1-related conditions. ClinVar contains an entry for this variant (Variation ID: 2123620). Advanced modeling of protein sequence and biophysical properties (such as structural, functional, and spatial information, amino acid conservation, physicochemical variation, residue mobility, and thermodynamic stability) performed at Invitae indicates that this missense variant is not expected to disrupt CHRNA1 protein function. In summary, the available evidence is currently insufficient to determine the role of this variant in disease. Therefore, it has been classified as a Variant of Uncertain Significance.

Revvity Omics, Revvity
Classification: Uncertain significance. Last evaluated: 2023-06-19. Review status: criteria provided, single submitter. Criteria: ACMG Guidelines, 2015. Collection method: clinical testing. Allele origin: germline.

NM_000079.4(CHRNA1):c.310A>G (p.Lys104Glu)

Gene: CHRNA1 (cholinergic receptor nicotinic alpha 1 subunit; minus strand). Cytogenetic location: 2q31.1.
Variant type: single nucleotide variant.
Coding change: c.310A>G on transcript NM_000079.4 (MANE Select); coding-DNA position 310, A replaced by G.
Protein change: p.Lys104Glu; replaces lysine 104 with glutamic acid.
Molecular consequence: missense variant.
Genome position (GRCh38, 1-based): chr2:174,757,600, T>C on the plus strand (A>G on the coding strand, the complement: CHRNA1 is on the minus strand). VCF-style: chr2-174757600-T-C. GRCh37 (hg19) VCF-style: chr2-175622328-T-C.
Other names: c.385A>G, p.Lys129Glu (NM_001039523.3); c.310A>G (NM_000079.3); short protein forms K104E, K129E.
Identifiers: ClinVar variation 2123620 (VCV002123620.7), dbSNP rs2468899516, ClinGen allele CA349343330.